The following is an entry in ClinVar:

ClinVar aggregate classification (germline): Likely benign (1 of 4 stars; one submission).

Allele frequency attached by ClinVar (database versions not stated): 1000 Genomes Project 30x 0.00359; 1000 Genomes Project 0.00379; TOPMed 0.00653; gnomAD 0.00786 and 0.00818; gnomAD exomes 0.01096.
gnomAD v4.1: 11,161 of 1,071,922 alleles (1%); highest among the groups gnomAD compares: Non-Finnish European, 1.3%; 70 homozygotes.

Submission:

GeneDx
Classification: Likely benign. Last evaluated: 2018-06-14. Review status: criteria provided, single submitter. Criteria: GeneDx Variant Classification (06012015). Collection method: clinical testing. Allele origin: germline. Affected: yes.
Comment: This variant is considered likely benign or benign based on one or more of the following criteria: it is a conservative change, it occurs at a poorly conserved position in the protein, it is predicted to be benign by multiple in silico algorithms, and/or has population frequency not consistent with disease.

NM_001458.5(FLNC):c.6209-141C>T

Genes: FLNC (filamin C; plus strand), FLNC-AS1 (FLNC antisense RNA 1; minus strand). Cytogenetic location: 7q32.1.
Variant type: single nucleotide variant.
Coding change: c.6209-141C>T on transcript NM_001458.5 (MANE Select); 141 bases into the intron before coding-DNA position 6209, C replaced by T.
Molecular consequence: intron variant. On other transcripts: non-coding transcript variant (1).
Genome position (GRCh38, 1-based): chr7:128,853,328, C>T. VCF-style: chr7-128853328-C-T. GRCh37 (hg19) VCF-style: chr7-128493382-C-T.
Other names: c.6110-141C>T (NM_001127487.2).
Identifiers: ClinVar variation 677400 (VCV000677400.1), dbSNP rs117360467, ClinGen allele CA166190505.
Genomic context (GRCh38, chr7:128,853,328, plus strand): 5'-GAATCCAAGAGGCTTACCTTAGGGAATTTTCCAGACCGCCTGTCCCGTGGTGCCCCCGCT[C>T]CTCCCACTGAGCCATTTTTGTTAGTGGTCACTACACACATCGGTGCCCATTCTGGGTGGA-3'